The following is an entry in ClinVar:

NM_004827.3(ABCG2):c.1195-834T>G

Gene: ABCG2 (ATP binding cassette subfamily G member 2 (JR blood group); minus strand). Cytogenetic location: 4q22.1.
Variant type: single nucleotide variant.
Coding change: c.1195-834T>G on transcript NM_004827.3 (MANE Select); 834 bases into the intron before coding-DNA position 1195, T replaced by G.
Molecular consequence: intron variant.
Genome position (GRCh38, 1-based): chr4:88,108,100, A>C on the plus strand (T>G on the coding strand, the complement: ABCG2 is on the minus strand). VCF-style: chr4-88108100-A-C. GRCh37 (hg19) VCF-style: chr4-89029252-A-C.
Other names: c.1195-834T>G (NM_001257386.2, NM_001348985.1, NM_001348988.1 and 2 more transcripts); c.1189-834T>G (NM_001348987.1); c.985-834T>G (NM_001441211.1, NM_001441212.1); c.979-834T>G (NM_001441213.1); c.1042-834T>G (NM_001441210.1); c.1093-834T>G (NM_001441209.1); c.1162-834T>G (NM_001441208.1).
Identifiers: ClinVar variation 1265403 (VCV001265403.2), dbSNP rs2622628, ClinGen allele CA11864927.

ClinVar aggregate classification (germline): Benign (1 of 4 stars; one submission).

Allele frequency attached by ClinVar (database versions not stated): 1000 Genomes Project 0.76378; TOPMed 0.80680; 1000 Genomes Project 30x 0.75921.
gnomAD v4.1: 126,417 of 152,166 alleles (83%); highest among the groups gnomAD compares: Non-Finnish European, 97%; 54,676 homozygotes.

Submission:

GeneDx
Classification: Benign. Last evaluated: 2019-01-09. Review status: criteria provided, single submitter. Criteria: GeneDx Variant Classification Process June 2021. Collection method: clinical testing. Allele origin: germline. Affected: yes.
Comment: This variant is associated with the following publications: (PMID: 28930109)